The following is an entry in ClinVar:

ClinVar aggregate classification (germline): Uncertain significance (1 of 4 stars; one submission).

Allele frequency attached by ClinVar (database versions not stated): gnomAD exomes below 0.00001.
gnomAD v4.1: 1 of 1,613,742 alleles (0.000062%); highest among the groups gnomAD compares: African/African-American, 0.0013%; no homozygotes.

Submission:

Labcorp Genetics (formerly Invitae), Labcorp
Classification: Uncertain significance. Last evaluated: 2021-01-02. Review status: criteria provided, single submitter. Criteria: Invitae Variant Classification Sherloc (09022015). Collection method: clinical testing. Allele origin: germline.
Comment: This sequence change replaces proline with threonine at codon 689 of the HPS6 protein (p.Pro689Thr). The proline residue is moderately conserved and there is a small physicochemical difference between proline and threonine. This variant is not present in population databases (ExAC no frequency). This variant has not been reported in the literature in individuals with HPS6-related conditions. Algorithms developed to predict the effect of missense changes on protein structure and function output the following: SIFT: "Tolerated"; PolyPhen-2: "Benign"; Align-GVGD: "Class C0". The threonine amino acid residue is found in multiple mammalian species, suggesting that this missense change does not adversely affect protein function. These predictions have not been confirmed by published functional studies and their clinical significance is uncertain. In summary, the available evidence is currently insufficient to determine the role of this variant in disease. Therefore, it has been classified as a Variant of Uncertain Significance.

NM_024747.6(HPS6):c.2065C>A (p.Pro689Thr)

Gene: HPS6 (HPS6 biogenesis of lysosomal organelles complex 2 subunit 3; plus strand). Cytogenetic location: 10q24.32.
Variant type: single nucleotide variant.
Coding change: c.2065C>A on transcript NM_024747.6 (MANE Select); coding-DNA position 2065, C replaced by A.
Protein change: p.Pro689Thr; replaces proline 689 with threonine.
Molecular consequence: missense variant.
Genome position (GRCh38, 1-based): chr10:102,067,539, C>A. VCF-style: chr10-102067539-C-A. GRCh37 (hg19) VCF-style: chr10-103827296-C-A.
Other names: short protein forms P689T.
Identifiers: ClinVar variation 1362224 (VCV001362224.7), dbSNP rs1323648281, ClinGen allele CA377875464.
Genomic context (GRCh38, chr10:102,067,539, plus strand): 5'-GAAATCTTCAAACTGCTGCTGGCCGAGTTTGCCCAGCACCGCCGGCTTGATGCTCACCTC[C>A]CCCTCCTTTGCCGCCTGTGCCCACCAGAACTGGCTCCAGCTGAGCTCCTGCTTCTACTGA-3'
Protein context (NP_079023.2, residues 679-699): AQHRRLDAHL[Pro689Thr]LLCRLCPPEL